The following is an entry in ClinVar:

NM_001368894.2(PAX6):c.302T>G (p.Ile101Arg)

Gene: PAX6 (paired box 6; minus strand). Cytogenetic location: 11p13.
Variant type: single nucleotide variant.
Coding change: c.302T>G on transcript NM_001368894.2 (MANE Select); coding-DNA position 302, T replaced by G.
Protein change: p.Ile101Arg; replaces isoleucine 101 with arginine.
Molecular consequence: missense variant. On other transcripts: 5 prime UTR variant (14), non-coding transcript variant (2), intron variant (8).
Genome position (GRCh38, 1-based): chr11:31,801,658, A>C on the plus strand (T>G on the coding strand, the complement: PAX6 is on the minus strand). VCF-style: chr11-31801658-A-C. GRCh37 (hg19) VCF-style: chr11-31823206-A-C.
Other names: c.260T>G, p.Ile87Arg (NM_000280.6, NM_001127612.3, NM_001258464.2 and 10 more transcripts); c.302T>G, p.Ile101Arg (NM_001258462.3, NM_001258463.2, NM_001310158.2 and 6 more transcripts); c.-480T>G (NM_001310160.2, NM_001368902.2, NM_001368905.2); c.-149T>G (NM_001310161.3, NM_001368899.2, NM_001368900.2 and 8 more transcripts); c.503T>G, p.Ile168Arg (NM_001368910.2); c.305T>G, p.Ile102Arg (NM_001368911.2); c.377T>G, p.Ile126Arg (NM_001368918.2, NM_001368919.2); c.335T>G, p.Ile112Arg (NM_001368920.2); and 2 more; short protein forms I101R, I102R, I112R, I126R, I168R, I87R.
Identifiers: ClinVar variation 2499918 (VCV002499918.1), dbSNP rs2496136805, ClinGen allele CA379958655.

ClinVar aggregate classification (germline): Likely pathogenic (1 of 4 stars; one submission).

Submission:

GeneDx
Classification: Likely pathogenic. Last evaluated: 2022-10-19. Review status: criteria provided, single submitter. Criteria: GeneDx Variant Classification Process June 2021. Collection method: clinical testing. Allele origin: germline. Affected: yes.
Comment: Identified in patients with PAX6-related features referred for genetic testing at GeneDx and in published literature (Tang et al., 1997); Published functional studies demonstrate a damaging effect including abnormal protein localization, loss of activation ability, and reduced ability to bind to PAX6-binding sites (Elvenes et al., 2010; Tang et al., 1997); Not observed at significant frequency in large population cohorts (gnomAD); In silico analysis supports that this missense variant has a deleterious effect on protein structure/function; This variant is associated with the following publications: (PMID: 20577777, 9147640, 14744876, 12421758, 9705283)